The following is an entry in ClinVar:

NM_001429.4(EP300):c.3738A>G (p.Glu1246=)

Gene: EP300 (E1A binding protein p300; plus strand). Cytogenetic location: 22q13.2.
Variant type: single nucleotide variant.
Coding change: c.3738A>G on transcript NM_001429.4 (MANE Select); coding-DNA position 3738, A replaced by G.
Protein change: p.Glu1246=; no amino-acid change (glutamic acid 1246 retained).
Molecular consequence: synonymous variant.
Genome position (GRCh38, 1-based): chr22:41,164,062, A>G. VCF-style: chr22-41164062-A-G. GRCh37 (hg19) VCF-style: chr22-41560066-A-G.
Other names: c.3660A>G, p.Glu1220= (NM_001362843.2).
Identifiers: ClinVar variation 3355837 (VCV003355837.1).

ClinVar aggregate classification (germline): Likely benign (0 of 4 stars; one submission).

Conditions:
EP300-related disorder. Also called: EP300-related disorders; EP300-related condition.

Submission:

PreventionGenetics, part of Exact Sciences
Classification: Likely benign for EP300-related condition. Last evaluated: 2022-03-16. Review status: no assertion criteria provided. Collection method: clinical testing. Allele origin: germline.
Comment: This variant is classified as likely benign based on ACMG/AMP sequence variant interpretation guidelines (Richards et al. 2015 PMID: 25741868, with internal and published modifications).